The following is an entry in ClinVar:

ClinVar aggregate classification (germline): Uncertain significance. Review status: criteria provided, multiple submitters, no conflicts (2 of 4 stars). 3 submissions from 3 submitters: Uncertain significance (3). Last evaluated 2026-05-12.

Conditions:
Hereditary cancer-predisposing syndrome. Also called: Hereditary Cancer Syndrome; Tumor predisposition; Hereditary neoplastic syndrome; Neoplastic Syndromes, Hereditary. Identifiers: Orphanet 140162, MedGen C0027672, MeSH D009386, MONDO:0015356.
Familial cancer of breast. Also called: Hereditary breast cancer; BREAST CANCER, FAMILIAL; hereditary breast carcinoma. Identifiers: Orphanet 227535, MedGen C0346153, MONDO:0016419, OMIM 114480. Disease mechanism: loss of function.

Submissions (3):

Ambry Genetics
Classification: Uncertain significance for Hereditary cancer-predisposing syndrome. Last evaluated: 2026-05-12. Review status: criteria provided, single submitter. Criteria: Ambry Variant Classification Scheme 2023. Collection method: clinical testing. Allele origin: germline.
Comment: The p.Q514H variant (also known as c.1542G>C), located in coding exon 13 of the CHEK2 gene, results from a G to C substitution at nucleotide position 1542. The glutamine at codon 514 is replaced by histidine, an amino acid with highly similar properties. However, this change occurs in the last base pair of coding exon 13, which makes it likely to have some effect on normal mRNA splicing. This nucleotide position is highly conserved in available vertebrate species. This amino acid position is highly conserved in available vertebrate species. In silico splice site analysis predicts that this alteration will weaken the native splice donor site and will result in the creation or strengthening of a novel splice donor site; however, direct evidence is insufficient (Ambry internal data). In addition, as a missense substitution this is predicted to be tolerated by in silico analysis. Based on the available evidence, the clinical significance of this variant remains unclear.

Quest Diagnostics Nichols Institute San Juan Capistrano
Classification: Uncertain significance. Last evaluated: 2024-12-02. Review status: criteria provided, single submitter. Criteria: Quest Diagnostics criteria. Collection method: clinical testing. Allele origin: unknown.
Comment: The CHEK2 c.1542G>C (p.Gln514His) variant has not been reported in individuals with CHEK2-related conditions in the published literature. It also has not been reported in large, multi-ethnic general populations (Genome Aggregation Database). Analysis of this variant using software algorithms for the prediction of the effect of nucleotide changes on splicing yielded predictions that this variant may affect proper CHEK2 mRNA splicing. Based on the available information, we are unable to determine the clinical significance of this variant.

Labcorp Genetics (formerly Invitae), Labcorp
Classification: Uncertain significance for Familial cancer of breast. Last evaluated: 2024-09-24. Review status: criteria provided, single submitter. Criteria: Invitae Variant Classification Sherloc (09022015). Collection method: clinical testing. Allele origin: germline.
Comment: This sequence change replaces glutamine, which is neutral and polar, with histidine, which is basic and polar, at codon 514 of the CHEK2 protein (p.Gln514His). This variant also falls at the last nucleotide of exon 14, which is part of the consensus splice site for this exon. This variant is not present in population databases (gnomAD no frequency). This variant has not been reported in the literature in individuals affected with CHEK2-related conditions. ClinVar contains an entry for this variant (Variation ID: 410051). An algorithm developed to predict the effect of missense changes on protein structure and function (PolyPhen-2) suggests that this variant is likely to be disruptive. Variants that disrupt the consensus splice site are a relatively common cause of aberrant splicing (PMID: 17576681, 9536098). Algorithms developed to predict the effect of sequence changes on RNA splicing suggest that this variant may disrupt the consensus splice site. In summary, the available evidence is currently insufficient to determine the role of this variant in disease. Therefore, it has been classified as a Variant of Uncertain Significance.

Literature cited by the submitters: PubMed 17576681 (cited by Labcorp Genetics (formerly Invitae), Labcorp); PubMed 9536098 (cited by Labcorp Genetics (formerly Invitae), Labcorp).

NM_007194.4(CHEK2):c.1542G>C (p.Gln514His)

Gene: CHEK2 (checkpoint kinase 2; minus strand). Cytogenetic location: 22q12.1.
Variant type: single nucleotide variant.
Coding change: c.1542G>C on transcript NM_007194.4 (MANE Select); coding-DNA position 1542, G replaced by C.
Protein change: p.Gln514His; replaces glutamine 514 with histidine.
Molecular consequence: missense variant.
Genome position (GRCh38, 1-based): chr22:28,689,135, C>G on the plus strand (G>C on the coding strand, the complement: CHEK2 is on the minus strand). VCF-style: chr22-28689135-C-G. GRCh37 (hg19) VCF-style: chr22-29085123-C-G.
Other names: c.1671G>C, p.Gln557His (NM_001005735.3); c.879G>C, p.Gln293His (NM_001257387.3); c.1341G>C, p.Gln447His (NM_001349956.3); c.1455G>C, p.Gln485His (NM_145862.3); short protein forms Q514H, Q293H, Q447H, Q485H, Q557H.
Identifiers: ClinVar variation 410051 (VCV000410051.19), dbSNP rs747797219, ClinGen allele CA16616326.